The following is an entry in ClinVar:

ClinVar aggregate classification (germline): Uncertain significance (1 of 4 stars; one submission).

Submission:

Greenwood Genetic Center Diagnostic Laboratories, Greenwood Genetic Center
Classification: Uncertain significance. Last evaluated: 2025-03-24. Review status: criteria provided, single submitter. Criteria: ACMG Guidelines, 2015. Collection method: clinical testing. Allele origin: germline.
Comment: PM2

NM_020987.5(ANK3):c.3688G>A (p.Val1230Ile)

Gene: ANK3 (ankyrin 3; minus strand). Cytogenetic location: 10q21.2.
Variant type: single nucleotide variant.
Coding change: c.3688G>A on transcript NM_020987.5 (MANE Select); coding-DNA position 3688, G replaced by A.
Protein change: p.Val1230Ile; replaces valine 1230 with isoleucine.
Molecular consequence: missense variant.
Genome position (GRCh38, 1-based): chr10:60,086,737, C>T on the plus strand (G>A on the coding strand, the complement: ANK3 is on the minus strand). VCF-style: chr10-60086737-C-T. GRCh37 (hg19) VCF-style: chr10-61846495-C-T.
Other names: c.1090G>A, p.Val364Ile (NM_001149.4); c.3670G>A, p.Val1224Ile (NM_001204403.2); c.3691G>A, p.Val1231Ile (NM_001204404.2); c.3688G>A, p.Val1230Ile (NM_001320874.2); short protein forms V1224I, V1230I, V1231I, V364I.
Identifiers: ClinVar variation 4851726 (VCV004851726.1).